The following is an entry in ClinVar:

ClinVar aggregate classification (germline): Uncertain significance (1 of 4 stars; one submission).

gnomAD v4.1: 3 of 1,521,352 alleles (0.0002%); highest among the groups gnomAD compares: African/African-American, 0.0014%; no homozygotes.

Submission:

Ambry Genetics
Classification: Uncertain significance. Last evaluated: 2025-05-03. Review status: criteria provided, single submitter. Criteria: Ambry Variant Classification Scheme 2023. Collection method: clinical testing. Allele origin: germline.
Comment: The p.S1451G variant (also known as c.4351A>G), located in coding exon 14 of the CDK12 gene, results from an A to G substitution at nucleotide position 4351. The serine at codon 1451 is replaced by glycine, an amino acid with similar properties. This amino acid position is conserved. In addition, this alteration is predicted to be tolerated by in silico analysis. Based on the available evidence, the clinical significance of this variant remains unclear.

NM_016507.4(CDK12):c.4351A>G (p.Ser1451Gly)

Gene: CDK12 (cyclin dependent kinase 12; plus strand). Cytogenetic location: 17q12.
Variant type: single nucleotide variant.
Coding change: c.4351A>G on transcript NM_016507.4 (MANE Select); coding-DNA position 4351, A replaced by G.
Protein change: p.Ser1451Gly; replaces serine 1451 with glycine.
Molecular consequence: missense variant.
Genome position (GRCh38, 1-based): chr17:39,531,194, A>G. VCF-style: chr17-39531194-A-G. GRCh37 (hg19) VCF-style: chr17-37687447-A-G.
Other names: c.4324A>G, p.Ser1442Gly (NM_015083.4); short protein forms S1451G, S1442G.
Identifiers: ClinVar variation 3999420 (VCV003999420.1).